The following is an entry in ClinVar:

NM_080916.3(DGUOK):c.736C>T (p.Pro246Ser)

Genes: DGUOK (deoxyguanosine kinase; plus strand), DGUOK-AS1 (DGUOK antisense RNA 1; minus strand). Cytogenetic location: 2p13.1.
Variant type: single nucleotide variant.
Coding change: c.736C>T on transcript NM_080916.3 (MANE Select); coding-DNA position 736, C replaced by T.
Protein change: p.Pro246Ser; replaces proline 246 with serine.
Molecular consequence: missense variant. On other transcripts: non-coding transcript variant (8).
Genome position (GRCh38, 1-based): chr2:73,958,174, C>T. VCF-style: chr2-73958174-C-T. GRCh37 (hg19) VCF-style: chr2-74185301-C-T.
Other names: c.454C>T, p.Pro152Ser (NM_001318859.2); c.445C>T, p.Pro149Ser (NM_001318860.2, NM_001318861.2); c.427C>T, p.Pro143Ser (NM_001318862.2, NM_001318863.2); c.472C>T, p.Pro158Ser (NM_080918.3); short protein forms P143S, P149S, P152S, P158S, P246S.
Identifiers: ClinVar variation 3050741 (VCV003050741.4), dbSNP rs756540646, ClinGen allele CA347301905.
Genomic context (GRCh38, chr2:73,958,174, plus strand): 5'-TTCTGTCCCCCAAACGTTCACGCTTCTTATAGGCTCCACTTTGAGGCTCTGATGAACATT[C>T]CAGTGCTGGTGTTGGATGTCAATGATGATTTTTCTGAGGAAGTAACCAAACAAGAAGACC-3'
Protein context (NP_550438.1, residues 236-256): KLHFEALMNI[Pro246Ser]VLVLDVNDDF

ClinVar aggregate classification (germline): Uncertain significance. Review status: criteria provided, single submitter (1 of 4 stars). 2 submissions from 2 submitters: Uncertain significance (1). 1 of the submissions does not count toward it. Last evaluated 2024-07-04.

Conditions:
DGUOK-related disorder. Also called: DGUOK-related condition.

Allele frequency attached by ClinVar (database versions not stated): TOPMed below 0.00001; gnomAD 0.00001.
gnomAD v4.1: 1 of 1,613,658 alleles (0.000062%); highest among the groups gnomAD compares: Non-Finnish European, 0.000085%; no homozygotes.

Submissions (2):

Labcorp Genetics (formerly Invitae), Labcorp
Classification: Uncertain significance. Last evaluated: 2024-07-04. Review status: criteria provided, single submitter. Criteria: Invitae Variant Classification Sherloc (09022015). Collection method: clinical testing. Allele origin: germline.
Comment: This sequence change replaces proline, which is neutral and non-polar, with serine, which is neutral and polar, at codon 246 of the DGUOK protein (p.Pro246Ser). This variant is not present in population databases (gnomAD no frequency). This variant has not been reported in the literature in individuals affected with DGUOK-related conditions. Advanced modeling of protein sequence and biophysical properties (such as structural, functional, and spatial information, amino acid conservation, physicochemical variation, residue mobility, and thermodynamic stability) performed at Invitae indicates that this missense variant is not expected to disrupt DGUOK protein function with a negative predictive value of 80%. In summary, the available evidence is currently insufficient to determine the role of this variant in disease. Therefore, it has been classified as a Variant of Uncertain Significance.

PreventionGenetics, part of Exact Sciences
Classification: Uncertain significance for DGUOK-related condition. Last evaluated: 2023-12-06. Review status: no assertion criteria provided. Collection method: clinical testing. Allele origin: germline. Not counted in ClinVar's aggregate classification.
Comment: The DGUOK c.736C>T variant is predicted to result in the amino acid substitution p.Pro246Ser. To our knowledge, this variant has not been reported in the literature or in a large population database, indicating this variant is rare. Alternative variant at the same codon (p.Pro246Arg) has been reported together with second DGUOK variant in patient with mitochondrial DNA depletion syndrome (Sarzi et al. 2007. PubMed ID: 17452231). At this time, the clinical significance of this variant is uncertain due to the absence of conclusive functional and genetic evidence.